The following is an entry in ClinVar:

NM_022893.4(BCL11A):c.2104C>G (p.Pro702Ala)

Gene: BCL11A (BCL11 transcription factor A; minus strand). Cytogenetic location: 2p16.1.
Variant type: single nucleotide variant.
Coding change: c.2104C>G on transcript NM_022893.4 (MANE Select); coding-DNA position 2104, C replaced by G.
Protein change: p.Pro702Ala; replaces proline 702 with alanine.
Molecular consequence: missense variant. On other transcripts: intron variant (6).
Genome position (GRCh38, 1-based): chr2:60,460,808, G>C on the plus strand (C>G on the coding strand, the complement: BCL11A is on the minus strand). VCF-style: chr2-60460808-G-C. GRCh37 (hg19) VCF-style: chr2-60687943-G-C.
Other names: c.2002C>G, p.Pro668Ala (NM_001363864.1, NM_001365609.1, NM_001405711.1 and 2 more transcripts); c.2104C>G, p.Pro702Ala (NM_001405708.1, NM_001405709.1, NM_001405710.1 and 1 more transcripts); c.1948C>G, p.Pro650Ala (NM_001405713.1, NM_001405714.1, NM_001405715.1 and 3 more transcripts); c.1846C>G, p.Pro616Ala (NM_001405717.1, NM_001405718.1, NM_001405724.1); c.1771C>G, p.Pro591Ala (NM_001405720.1, NM_001405721.1); c.1648C>G, p.Pro550Ala (NM_001405725.1, NM_001405726.1, NM_001405727.1 and 1 more transcripts); c.1411C>G, p.Pro471Ala (NM_001405729.1); c.1567C>G, p.Pro523Ala (NM_001405730.1); and 5 more; short protein forms P371A, P471A, P523A, P550A, P591A, P616A, P650A, P668A.
Identifiers: ClinVar variation 2430881 (VCV002430881.1), dbSNP rs2466205629, ClinGen allele CA347036555.

ClinVar aggregate classification (germline): Uncertain significance (1 of 4 stars; one submission).

Submission:

GeneDx
Classification: Uncertain significance. Last evaluated: 2023-02-14. Review status: criteria provided, single submitter. Criteria: GeneDx Variant Classification Process June 2021. Collection method: clinical testing. Allele origin: germline. Affected: yes.
Comment: Not observed in large population cohorts (gnomAD); In silico analysis supports that this missense variant has a deleterious effect on protein structure/function; Has not been previously published as pathogenic or benign to our knowledge